The following is an entry in ClinVar:

ClinVar aggregate classification (germline): Uncertain significance (1 of 4 stars; one submission).

Conditions:
Autosomal recessive ataxia, Beauce type. Also called: SYNE1-Related Autosomal Recessive Cerebellar Ataxia; Spinocerebellar ataxia, autosomal recessive 8; ATAXIA, RECESSIVE, OF BEAUCE; SYNE1 Deficiency. Identifiers: Orphanet 88644, MedGen C1853116, MONDO:0012549, OMIM 610743.
Emery-Dreifuss muscular dystrophy 4, autosomal dominant (EDMD4). Also called: EMERY-DREIFUSS MUSCULAR DYSTROPHY 4 WITH VARIABLE FEATURES. Identifiers: Orphanet 261, MedGen C2751807, MONDO:0013071, OMIM 612998.

Allele frequency attached by ClinVar (database versions not stated): TOPMed below 0.00001.

Submission:

Labcorp Genetics (formerly Invitae), Labcorp
Classification: Uncertain significance for Emery-Dreifuss muscular dystrophy 4, autosomal dominant; Autosomal recessive ataxia, Beauce type. Last evaluated: 2022-06-30. Review status: criteria provided, single submitter. Criteria: Invitae Variant Classification Sherloc (09022015). Collection method: clinical testing. Allele origin: germline.
Comment: In summary, the available evidence is currently insufficient to determine the role of this variant in disease. Therefore, it has been classified as a Variant of Uncertain Significance. Algorithms developed to predict the effect of missense changes on protein structure and function are either unavailable or do not agree on the potential impact of this missense change (SIFT: "Deleterious"; PolyPhen-2: "Benign"; Align-GVGD: "Class C0"). This variant has not been reported in the literature in individuals affected with SYNE1-related conditions. This variant is not present in population databases (gnomAD no frequency). This sequence change replaces glutamine, which is neutral and polar, with lysine, which is basic and polar, at codon 1265 of the SYNE1 protein (p.Gln1265Lys).

NM_182961.4(SYNE1):c.3772C>A (p.Gln1258Lys)

Gene: SYNE1 (spectrin repeat containing nuclear envelope protein 1; minus strand). Cytogenetic location: 6q25.2.
Variant type: single nucleotide variant.
Coding change: c.3772C>A on transcript NM_182961.4 (MANE Select); coding-DNA position 3772, C replaced by A.
Protein change: p.Gln1258Lys; replaces glutamine 1258 with lysine.
Molecular consequence: missense variant.
Genome position (GRCh38, 1-based): chr6:152,444,476, G>T on the plus strand (C>A on the coding strand, the complement: SYNE1 is on the minus strand). VCF-style: chr6-152444476-G-T. GRCh37 (hg19) VCF-style: chr6-152765611-G-T.
Other names: c.3793C>A, p.Gln1265Lys (NM_033071.5); short protein forms Q1265K, Q1258K.
Identifiers: ClinVar variation 2168192 (VCV002168192.4), dbSNP rs1372086854, ClinGen allele CA366147604.